The following is an entry in ClinVar:

NM_001009999.3(KDM1A):c.865_866del (p.Arg289fs)

Gene: KDM1A (lysine demethylase 1A; plus strand). Cytogenetic location: 1p36.12.
Variant type: Microsatellite.
Coding change: c.865_866del on transcript NM_001009999.3 (MANE Select); coding-DNA positions 865 to 866, 2 bases deleted (AG; older notation c.865_866delAG).
Protein change: p.Arg289fs; shifts the reading frame from arginine 289.
Molecular consequence: frameshift variant.
Genome position (GRCh38, 1-based): chr1:23,055,143-23,055,144, AG deleted; deleting any 2 consecutive bases within chr1:23,055,141-23,055,144 gives the same sequence; the c. name uses the placement nearest the transcript's 3' end. VCF-style (leftmost placement, unchanged base first): chr1-23055140-AAG-A. GRCh37 (hg19) VCF-style: chr1-23381633-AAG-A.
Other names: c.805_806del, p.Arg269fs (NM_001363654.2, NM_001410763.1, NM_015013.4); c.865_866del, p.Arg289fs (NM_001410762.1); short protein forms R289fs, R269fs.
Identifiers: ClinVar variation 3704345 (VCV003704345.2).
Genomic context (GRCh38, chr1:23,055,140, plus strand): 5'-CTTGTCCACCGAGTTCACAGTTATTTAGAGCGTCATGGTCTTATCAACTTCGGCATCTAT[AAG>A]AGGATAAAACCCCTACCAAGTAAGGACCTCCTACCTGGCTGATAAATTTTACATTTTTAA-3'

ClinVar aggregate classification (germline): Uncertain significance (1 of 4 stars; one submission).

Submission:

Labcorp Genetics (formerly Invitae), Labcorp
Classification: Uncertain significance. Last evaluated: 2024-09-26. Review status: criteria provided, single submitter. Criteria: Invitae Variant Classification Sherloc (09022015). Collection method: clinical testing. Allele origin: germline.
Comment: This sequence change creates a premature translational stop signal (p.Arg289Aspfs*7) in the KDM1A gene. It is expected to result in an absent or disrupted protein product. However, the current clinical and genetic evidence is not sufficient to establish whether loss-of-function variants in KDM1A cause disease. This variant is not present in population databases (gnomAD no frequency). This premature translational stop signal has been observed in individual(s) with multiple myeloma (PMID: 29559475). This variant is also known as p.Arg269Aspfs*7. In summary, the available evidence is currently insufficient to determine the role of this variant in disease. Therefore, it has been classified as a Variant of Uncertain Significance.

Literature cited by the submitters: PubMed 29559475.